The following is an entry in ClinVar:

NM_022552.5(DNMT3A):c.1867dup (p.Tyr623fs)

Gene: DNMT3A (DNA methyltransferase 3 alpha; minus strand). Cytogenetic location: 2p23.3.
Variant type: Duplication.
Coding change: c.1867dup on transcript NM_022552.5 (MANE Select); coding-DNA position 1867, one base duplicated (T; older notation c.1867dupT).
Protein change: p.Tyr623fs; shifts the reading frame from tyrosine 623.
Molecular consequence: frameshift variant. On other transcripts: non-coding transcript variant (1).
Genome position (GRCh38, 1-based): chr2:25,243,967, A duplicated on the plus strand (T on the coding strand, the reverse complement: DNMT3A is on the minus strand); the first of 3 consecutive A bases (chr2:25,243,967-25,243,969); duplicating any one gives the same sequence. VCF-style (leftmost placement, unchanged base first): chr2-25243966-T-TA. GRCh37 (hg19) VCF-style: chr2-25466835-T-TA.
Other names: c.1867dupT (NM_175629.2); c.1411dup, p.Tyr471fs (NM_001320893.1); c.1198dup, p.Tyr400fs (NM_001375819.1); c.1300dup, p.Tyr434fs (NM_153759.3); c.1867dup, p.Tyr623fs (NM_175629.2); short protein forms Y400fs, Y434fs, Y471fs, Y623fs.
Identifiers: ClinVar variation 503964 (VCV000503964.1), dbSNP rs1553412022, ClinGen allele CA658795682.

ClinVar aggregate classification (germline): Likely pathogenic (1 of 4 stars; one submission).

Submission:

GeneDx
Classification: Likely pathogenic. Last evaluated: 2017-12-13. Review status: criteria provided, single submitter. Criteria: GeneDx Variant Classification (06012015). Collection method: clinical testing. Allele origin: germline. Affected: yes.
Comment: The c.1867dupT variant in the DNMT3A gene has not been reported previously as a pathogenic variant nor as a benign variant, to our knowledge. The c.1867dupT variant causes a frameshift starting with codon Tyrosine 623, changes this amino acid to a Leucine residue, and creates a premature Stop codon at position 7 of the new reading frame, denoted p.Tyr623LeufsX7. This variant is predicted to cause loss of normal protein function either through protein truncation or nonsense-mediated mRNA decay. The c.1867dupT variant is not observed in large population cohorts (Lek et al., 2016). We interpret c.1867dupT as a likely pathogenic variant.